The following is an entry in ClinVar:

ClinVar aggregate classification (germline): Conflicting classifications of pathogenicity. Review status: criteria provided, conflicting classifications (1 of 4 stars). 3 submissions from 3 submitters: Likely pathogenic (1); Uncertain significance (2). Last evaluated 2025-10-03.

Conditions:
MYH7-related disorder. Also called: MYH7-related condition; MYH7-related disease; MYH7-related disorders.
Hypertrophic cardiomyopathy. Also called: HYPERTROPHIC MYOCARDIOPATHY. Identifiers: Orphanet 217569, MedGen C0007194, MeSH D002312, MONDO:0005045, HP:0001639.

Submissions (3):

GeneDx
Classification: Uncertain significance. Last evaluated: 2025-10-03. Review status: criteria provided, single submitter. Criteria: GeneDx Variant Classification Process June 2021. Collection method: clinical testing. Allele origin: germline.
Comment: Reported in a family with multiple individuals affected with LVNC (PMID: 26025024); Not observed at significant frequency in large population cohorts (gnomAD); In silico analysis supports that this missense variant has a deleterious effect on protein structure/function; This variant is associated with the following publications: (PMID: 26025024, 27532257, 29300372)

Illumina Laboratory Services, Illumina
Classification: Likely pathogenic. Last evaluated: 2021-05-12. Review status: criteria provided, single submitter. Criteria: ICSLVariantClassificationCriteria RUGD 01 April 2020. Collection method: clinical testing. Allele origin: unknown.
Comment: The MYH7 c.2099A>G (p.Glu700Gly) variant is a missense variant that has been reported in a heterozygous state in four individuals from a family presenting with left ventricular noncompaction cardiomyopathy (Bainbridge et al. 2015). This variant was reported to segregate with disease in this family, and was absent in three unaffected family members. It is located in a region of exon 19 where several nearby MYH7 missense variants have been reported in relation to cardiac phenotypes (Walsh et al. 2017). The p.Glu700Gly variant is not found in the Genome Aggregation Database (version 2.1.1 or version 3.1.2) in a region of good sequence coverage, so the variant is presumed to be rare. Based on the evidence the p.Glu700Gly variant is classified as likely pathogenic for MYH7-related disorders.

Labcorp Genetics (formerly Invitae), Labcorp
Classification: Uncertain significance for Hypertrophic cardiomyopathy. Last evaluated: 2020-08-14. Review status: criteria provided, single submitter. Criteria: Invitae Variant Classification Sherloc (09022015). Collection method: clinical testing. Allele origin: germline.
Comment: Algorithms developed to predict the effect of missense changes on protein structure and function (SIFT, PolyPhen-2, Align-GVGD) all suggest that this variant is likely to be disruptive, but these predictions have not been confirmed by published functional studies and their clinical significance is uncertain. In summary, the available evidence is currently insufficient to determine the role of this variant in disease. Therefore, it has been classified as a Variant of Uncertain Significance. This missense change is located in a region of the MYH7 protein where a significant number of previously reported MYH7 missense mutations are found (PMID: 27532257). These observations suggest that this may be a clinically significant region of the protein. This variant has been observed in individual(s) with clinical features of MYH7-related conditions (PMID: 26025024, Invitae). This variant is not present in population databases (ExAC no frequency). This sequence change replaces glutamic acid with glycine at codon 700 of the MYH7 protein (p.Glu700Gly). The glutamic acid residue is highly conserved and there is a moderate physicochemical difference between glutamic acid and glycine.

Literature cited by the submitters: PubMed 26025024 (cited by Illumina Laboratory Services, Illumina and Labcorp Genetics (formerly Invitae), Labcorp); PubMed 27532257 (cited by Illumina Laboratory Services, Illumina and Labcorp Genetics (formerly Invitae), Labcorp).

NM_000257.4(MYH7):c.2099A>G (p.Glu700Gly)

Gene: MYH7 (myosin heavy chain 7; minus strand). Cytogenetic location: 14q11.2.
Variant type: single nucleotide variant.
Coding change: c.2099A>G on transcript NM_000257.4 (MANE Select); coding-DNA position 2099, A replaced by G.
Protein change: p.Glu700Gly; replaces glutamic acid 700 with glycine.
Molecular consequence: missense variant.
Genome position (GRCh38, 1-based): chr14:23,426,027, T>C on the plus strand (A>G on the coding strand, the complement: MYH7 is on the minus strand). VCF-style: chr14-23426027-T-C. GRCh37 (hg19) VCF-style: chr14-23895236-T-C.
Other names: c.2099A>G (NM_000257.2); short protein forms E700G.
Identifiers: ClinVar variation 1018283 (VCV001018283.14), dbSNP rs1892684240, ClinGen allele CA389049130.
Genomic context (GRCh38, chr14:23,426,027, plus strand): 5'-TGCCGGAAGTCCCCGTAGAGGATGCGGTTGGGGAAGCCTTTCCTGCAGATGCGGATGCCC[T>C]CCAGCACACCATTGCAGCGCAGCTGGTGCATGACCAGGGGGTTGTCCATCACCCCTGTGG-3'
Protein context (NP_000248.2, residues 690-710): MHQLRCNGVL[Glu700Gly]GIRICRKGFP